The following is an entry in ClinVar:

NM_006767.4(LZTR1):c.1462G>T (p.Glu488Ter)

Gene: LZTR1 (leucine zipper like post translational regulator 1; plus strand). Cytogenetic location: 22q11.21.
Variant type: single nucleotide variant.
Coding change: c.1462G>T on transcript NM_006767.4 (MANE Select); coding-DNA position 1462, G replaced by T.
Protein change: p.Glu488Ter; replaces glutamic acid 488 with a stop codon.
Molecular consequence: nonsense.
Genome position (GRCh38, 1-based): chr22:20,994,116, G>T. VCF-style: chr22-20994116-G-T. GRCh37 (hg19) VCF-style: chr22-21348405-G-T.
Other names: short protein forms E488*.
Identifiers: ClinVar variation 1773190 (VCV001773190.9), dbSNP rs1385691888, ClinGen allele CA410775484.

ClinVar aggregate classification (germline): Pathogenic/Likely pathogenic. Review status: criteria provided, multiple submitters, no conflicts (2 of 4 stars). 4 submissions from 4 submitters: Pathogenic (3); Likely pathogenic (1). Last evaluated 2026-01-26.

Conditions:
LZTR1-related schwannomatosis. Also called: Schwannomatosis 2; Schwannomatosis-2, susceptibility to. Identifiers: Orphanet 93921, MedGen C3810283, MONDO:0014299, OMIM 615670.
Noonan syndrome 2 (NS2). Identifiers: Orphanet 648, MedGen C1854469, MONDO:0011531, OMIM 605275.
Cardiovascular phenotype. Identifiers: MedGen CN230736.
Hereditary cancer-predisposing syndrome. Also called: Hereditary Cancer Syndrome; Hereditary neoplastic syndrome; Neoplastic Syndromes, Hereditary; Tumor predisposition. Identifiers: Orphanet 140162, MedGen C0027672, MeSH D009386, MONDO:0015356.

Allele frequency attached by ClinVar (database versions not stated): TOPMed below 0.00001.

Submissions (4):

Labcorp Genetics (formerly Invitae), Labcorp
Classification: Pathogenic. Last evaluated: 2026-01-26. Review status: criteria provided, single submitter. Criteria: Invitae Variant Classification Sherloc (09022015). Collection method: clinical testing. Allele origin: germline.
Comment: This sequence change creates a premature translational stop signal (p.Glu488*) in the LZTR1 gene. It is expected to result in an absent or disrupted protein product. Loss-of-function variants in LZTR1 are known to be pathogenic (PMID: 24362817, 25335493, 25480913, 25795793, 29469822, 30368668, 30442762, 30442766, 30481304, 30859559). This variant is not present in population databases (gnomAD no frequency). This variant has not been reported in the literature in individuals affected with LZTR1-related conditions. ClinVar contains an entry for this variant (Variation ID: 1773190). For these reasons, this variant has been classified as Pathogenic.

Human Genetics Bochum, Ruhr University Bochum
Classification: Pathogenic for Noonan syndrome 2; LZTR1-related schwannomatosis. Last evaluated: 2024-04-30. Review status: criteria provided, single submitter. Criteria: ACMG Guidelines, 2015. Collection method: clinical testing. Allele origin: germline. Affected: yes.
Comment: ACMG criteria used to clasify this variant: PVS1, PM1_SUP, PM2_SUP

Baylor Genetics
Classification: Likely pathogenic for LZTR1-related schwannomatosis. Last evaluated: 2023-11-16. Review status: criteria provided, single submitter. Criteria: ACMG Guidelines, 2015. Collection method: clinical testing. Allele origin: unknown.

Ambry Genetics
Classification: Pathogenic for Cardiovascular phenotype; Hereditary cancer-predisposing syndrome. Last evaluated: 2021-09-21. Review status: criteria provided, single submitter. Criteria: Ambry Variant Classification Scheme 2023. Collection method: clinical testing. Allele origin: germline.
Comment: The p.E488* variant (also known as c.1462G>T), located in coding exon 14 of the LZTR1 gene, results from a G to T substitution at nucleotide position 1462. This changes the amino acid from a glutamic acid to a stop codon within coding exon 14. This alteration is expected to result in loss of function by premature protein truncation or nonsense-mediated mRNA decay. Loss-of-function variants in LZTR1 are related to an increased risk for schwannomas and autosomal recessive Noonan syndrome; however, such associations with autosomal dominant Noonan syndrome have not been observed (Piotrowski A et al. Nat Genet. 2014 Feb;46:182-7; Yamamoto GL et al. J Med Genet. 2015 Jun;52:413-21; Johnston JJ et al. Genet Med. 2018 10;20:1175-1185). Based on the supporting evidence, this variant is pathogenic for an increased risk of LZTR1-related schwannomatosis (SWN) and would be expected to cause autosomal recessive Noonan syndrome when present along with a second pathogenic or likely pathogenic variant on the other allele; however, the association of this alteration with autosomal dominant Noonan syndrome is unlikely.

Literature cited by the submitters: PubMed 24362817 (cited by Labcorp Genetics (formerly Invitae), Labcorp); PubMed 25335493 (cited by Labcorp Genetics (formerly Invitae), Labcorp); PubMed 25480913 (cited by Labcorp Genetics (formerly Invitae), Labcorp); PubMed 25795793 (cited by Labcorp Genetics (formerly Invitae), Labcorp); PubMed 29469822 (cited by Labcorp Genetics (formerly Invitae), Labcorp); PubMed 30368668 (cited by Labcorp Genetics (formerly Invitae), Labcorp); PubMed 30442762 (cited by Labcorp Genetics (formerly Invitae), Labcorp); PubMed 30442766 (cited by Labcorp Genetics (formerly Invitae), Labcorp); PubMed 30481304 (cited by Labcorp Genetics (formerly Invitae), Labcorp); PubMed 30859559 (cited by Labcorp Genetics (formerly Invitae), Labcorp).